The following is an entry in ClinVar:

NM_020812.4(DOCK6):c.5238C>A (p.Arg1746=)

Gene: DOCK6 (dedicator of cytokinesis 6; minus strand). Cytogenetic location: 19p13.2.
Variant type: single nucleotide variant.
Coding change: c.5238C>A on transcript NM_020812.4 (MANE Select); coding-DNA position 5238, C replaced by A.
Protein change: p.Arg1746=; no amino-acid change (arginine 1746 retained).
Molecular consequence: synonymous variant.
Genome position (GRCh38, 1-based): chr19:11,202,707, G>T on the plus strand (C>A on the coding strand, the complement: DOCK6 is on the minus strand). VCF-style: chr19-11202707-G-T. GRCh37 (hg19) VCF-style: chr19-11313383-G-T.
Other names: c.5343C>A, p.Arg1781= (NM_001367830.1).
Identifiers: ClinVar variation 2649316 (VCV002649316.24), dbSNP rs375809503, ClinGen allele CA505746051.

ClinVar aggregate classification (germline): Likely benign (1 of 4 stars; one submission).

Submission:

CeGaT Center for Human Genetics Tuebingen
Classification: Likely benign. Last evaluated: 2022-05-01. Review status: criteria provided, single submitter. Criteria: CeGaT Center For Human Genetics Tuebingen Variant Classification Criteria Version 2. Collection method: clinical testing. Allele origin: germline. Affected: yes. Observed: 1 variant allele.
Comment: DOCK6: PM2:Supporting, BP4, BP7